The following is an entry in ClinVar:

NM_000216.4(ANOS1):c.1698C>T (p.Thr566=)

Gene: ANOS1 (anosmin 1; minus strand). Cytogenetic location: Xp22.31.
Variant type: single nucleotide variant.
Coding change: c.1698C>T on transcript NM_000216.4 (MANE Select); coding-DNA position 1698, C replaced by T.
Protein change: p.Thr566=; no amino-acid change (threonine 566 retained).
Molecular consequence: synonymous variant.
Genome position (GRCh38, 1-based): chrX:8,535,735, G>A on the plus strand (C>T on the coding strand, the complement: ANOS1 is on the minus strand). VCF-style: chrX-8535735-G-A. GRCh37 (hg19) VCF-style: chrX-8503776-G-A.
Other names: c.1698C>T (NM_000216.2).
Identifiers: ClinVar variation 2659944 (VCV002659944.28), dbSNP rs145982109, ClinGen allele CA10343562.

ClinVar aggregate classification (germline): Benign/Likely benign. Review status: criteria provided, multiple submitters, no conflicts (2 of 4 stars). 3 submissions from 3 submitters: Benign (2); Likely benign (1). Last evaluated 2025-08-18.

Conditions:
Hypogonadotropic hypogonadism 1 with or without anosmia (HH1). Also called: HYPOGONADOTROPIC HYPOGONADISM AND ANOSMIA; Kallmann syndrome, type 1, X-linked; DYSPLASIA OLFACTOGENITALIS OF DE MORSIER; HYPOGONADOTROPIC HYPOGONADISM 1 WITH ANOSMIA; KAL1-Related GnRH Deficiency (Kallmann Syndrome 1; Kallmann Syndrome, X-Linked); Hypogonadotropic hypogonadism 1 with or without anosmia (Kallmann syndrome 1). Identifiers: Orphanet 478, MedGen C1563719, MONDO:0010635, OMIM 308700. Disease mechanism: loss of function.

Allele frequency attached by ClinVar (database versions not stated): gnomAD 0.00014; TOPMed 0.00014; ExAC 0.00015; ESP Exome Variant Server 0.00019.
gnomAD v4.1: 135 of 1,210,188 alleles (0.011%); highest among the groups gnomAD compares: Middle Eastern, 0.023%; no homozygotes.

Submissions (3):

Labcorp Genetics (formerly Invitae), Labcorp
Classification: Benign for Hypogonadotropic hypogonadism 1 with or without anosmia. Last evaluated: 2025-08-18. Review status: criteria provided, single submitter. Criteria: Invitae Variant Classification Sherloc (09022015). Collection method: clinical testing. Allele origin: germline.

Athena Diagnostics
Classification: Benign. Last evaluated: 2024-06-24. Review status: criteria provided, single submitter. Criteria: Athena Diagnostics Criteria. Collection method: clinical testing. Allele origin: unknown.

CeGaT Center for Human Genetics Tuebingen
Classification: Likely benign. Last evaluated: 2022-04-01. Review status: criteria provided, single submitter. Criteria: CeGaT Center For Human Genetics Tuebingen Variant Classification Criteria Version 2. Collection method: clinical testing. Allele origin: germline. Affected: yes. Observed: 1 variant allele.
Comment: ANOS1: BP4, BP7